The following is an entry in ClinVar:

NC_000019.9:g.(?_5678562)_(5903719_?)dup

Genes: CATSPERD (cation channel sperm associated auxiliary subunit delta; plus strand), DUS3L (dihydrouridine synthase 3 like; minus strand), FUT3 (fucosyltransferase 3 (Lewis blood group); minus strand), FUT5 (fucosyltransferase 5; minus strand), FUT6 (fucosyltransferase 6; minus strand) and 7 more. Cytogenetic location: 19p13.3.
Variant type: Duplication.
Identifiers: ClinVar variation 1682753 (VCV001682753.3).

ClinVar aggregate classification (germline): Uncertain significance (1 of 4 stars; one submission).

Submission:

Labcorp Genetics (formerly Invitae), Labcorp
Classification: Uncertain significance. Last evaluated: 2021-07-19. Review status: criteria provided, single submitter. Criteria: Invitae Variant Classification Sherloc (09022015). Collection method: clinical testing. Allele origin: germline.
Comment: A copy number gain of the genomic region encompassing the full coding sequence of the C19orf70 gene has been identified. The boundaries of this event are unknown as they extend beyond the assayed region for this gene and therefore may encompass additional genes. As the precise location of this event is unknown, it may be in tandem or it may be located elsewhere in the genome. This variant has not been reported in the literature in individuals affected with C19orf70-related conditions. In summary, the available evidence is currently insufficient to determine the role of this variant in disease. Therefore, it has been classified as a Variant of Uncertain Significance.